The following is an entry in ClinVar:

ClinVar aggregate classification (germline): Uncertain significance (1 of 4 stars; one submission).

Conditions:
Cardiovascular phenotype. Identifiers: MedGen CN230736.

gnomAD v4.1: 1 of 1,614,008 alleles (0.000062%); highest among the groups gnomAD compares: Non-Finnish European, 0.000085%; no homozygotes.

Submission:

Ambry Genetics
Classification: Uncertain significance for Cardiovascular phenotype. Last evaluated: 2024-05-02. Review status: criteria provided, single submitter. Criteria: Ambry Variant Classification Scheme 2023. Collection method: clinical testing. Allele origin: germline.
Comment: The p.P256L variant (also known as c.767C>T), located in coding exon 6 of the LCAT gene, results from a C to T substitution at nucleotide position 767. The proline at codon 256 is replaced by leucine, an amino acid with similar properties. This amino acid position is conserved. In addition, this alteration is predicted to be deleterious by in silico analysis. Based on the available evidence, the clinical significance of this variant remains unclear.

NM_000229.2(LCAT):c.767C>T (p.Pro256Leu)

Gene: LCAT (lecithin-cholesterol acyltransferase; minus strand). Cytogenetic location: 16q22.1.
Variant type: single nucleotide variant.
Coding change: c.767C>T on transcript NM_000229.2 (MANE Select); coding-DNA position 767, C replaced by T.
Protein change: p.Pro256Leu; replaces proline 256 with leucine.
Molecular consequence: missense variant.
Genome position (GRCh38, 1-based): chr16:67,940,460, G>A on the plus strand (C>T on the coding strand, the complement: LCAT is on the minus strand). VCF-style: chr16-67940460-G-A. GRCh37 (hg19) VCF-style: chr16-67974363-G-A.
Other names: short protein forms P256L.
Identifiers: ClinVar variation 3290241 (VCV003290241.1).